The following is an entry in ClinVar:

NM_000368.5(TSC1):c.51C>G (p.Pro17=)

Gene: TSC1 (TSC complex subunit 1; minus strand). Cytogenetic location: 9q34.13.
Variant type: single nucleotide variant.
Coding change: c.51C>G on transcript NM_000368.5 (MANE Select); coding-DNA position 51, C replaced by G.
Protein change: p.Pro17=; no amino-acid change (proline 17 retained).
Molecular consequence: synonymous variant. On other transcripts: 5 prime UTR variant (1).
Genome position (GRCh38, 1-based): chr9:132,928,822, G>C on the plus strand (C>G on the coding strand, the complement: TSC1 is on the minus strand). VCF-style: chr9-132928822-G-C. GRCh37 (hg19) VCF-style: chr9-135804209-G-C.
Other names: c.51C>G, p.Pro17= (NM_001162426.2, NM_001162427.2); c.-209C>G (NM_001362177.2).
Identifiers: ClinVar variation 416675 (VCV000416675.29), dbSNP rs768175095, ClinGen allele CA037984.

ClinVar aggregate classification (germline): Benign/Likely benign. Review status: criteria provided, multiple submitters, no conflicts (2 of 4 stars). 8 submissions from 8 submitters: Benign (2); Likely benign (6). Last evaluated 2026-01-12.

Conditions:
Hereditary cancer-predisposing syndrome. Also called: Tumor predisposition; Hereditary neoplastic syndrome; Hereditary Cancer Syndrome; Neoplastic Syndromes, Hereditary. Identifiers: Orphanet 140162, MedGen C0027672, MeSH D009386, MONDO:0015356.
Tuberous sclerosis syndrome (TSC). Also called: Tuberous Sclerosis Complex; Tuberous sclerosis. Identifiers: Orphanet 805, MedGen C0041341, MONDO:0001734.
Tuberous sclerosis 1 (TSC1). Identifiers: Orphanet 805, MedGen C1854465, MONDO:0008612, OMIM 191100.

Allele frequency attached by ClinVar (database versions not stated): gnomAD exomes below 0.00001; ExAC 0.00001; gnomAD 0.00001; TOPMed 0.00001.

Submissions (8):

Labcorp Genetics (formerly Invitae), Labcorp
Classification: Likely benign for Tuberous sclerosis 1. Last evaluated: 2026-01-12. Review status: criteria provided, single submitter. Criteria: Invitae Variant Classification Sherloc (09022015). Collection method: clinical testing. Allele origin: germline.

Myriad Genetics, Inc.
Classification: Benign for Tuberous sclerosis 1. Last evaluated: 2025-04-07. Review status: criteria provided, single submitter. Criteria: Myriad Autosomal Dominant, Autosomal Recessive and X-Linked Classification Criteria (2023). Collection method: clinical testing. Allele origin: unknown.
Comment: This variant is considered benign. This variant is a silent/synonymous amino acid change and it is not expected to impact splicing.

CeGaT Center for Human Genetics Tuebingen
Classification: Likely benign. Last evaluated: 2025-03-01. Review status: criteria provided, single submitter. Criteria: CeGaT Center For Human Genetics Tuebingen Variant Classification Criteria Version 2. Collection method: clinical testing. Allele origin: germline. Affected: yes. Observed: 1 variant allele.
Comment: TSC1: BP4, BP7

Blueprint Genetics
Classification: Likely benign. Last evaluated: 2024-11-05. Review status: criteria provided, single submitter. Criteria: ACMG Guidelines, 2015. Collection method: clinical testing. Allele origin: germline.

All of Us Research Program, National Institutes of Health
Classification: Likely benign for Tuberous sclerosis syndrome. Last evaluated: 2023-12-13. Review status: criteria provided, single submitter. Criteria: ACMG Guidelines, 2015. Collection method: clinical testing. Allele origin: germline. Inheritance: Autosomal dominant inheritance. Observed: 8 variant alleles, 8 heterozygotes.
Comment: This study involves interpretation of variants in research participants for the purpose of population health screening. Participant phenotype was not available at the time of variant classification. Additional details can be found in publication PMID: 35346344, PMCID: PMC8962531

Color Diagnostics, LLC DBA Color Health
Classification: Likely benign for Tuberous sclerosis syndrome. Last evaluated: 2022-05-13. Review status: criteria provided, single submitter. Criteria: ACMG Guidelines, 2015. Collection method: clinical testing. Allele origin: germline.

Genome-Nilou Lab
Classification: Benign for Tuberous sclerosis 1. Last evaluated: 2021-11-07. Review status: criteria provided, single submitter. Criteria: ACMG Guidelines, 2015. Collection method: clinical testing. Allele origin: germline. Affected: no.

Ambry Genetics
Classification: Likely benign for Hereditary cancer-predisposing syndrome. Last evaluated: 2018-10-26. Review status: criteria provided, single submitter. Criteria: Ambry Variant Classification Scheme 2023. Collection method: clinical testing. Allele origin: germline.